The following is an entry in ClinVar:

ClinVar aggregate classification (germline): Uncertain significance (1 of 4 stars; one submission).

Conditions:
Hereditary cancer-predisposing syndrome. Also called: Neoplastic Syndromes, Hereditary; Tumor predisposition; Hereditary Cancer Syndrome; Hereditary neoplastic syndrome. Identifiers: Orphanet 140162, MedGen C0027672, MeSH D009386, MONDO:0015356.

Submission:

Ambry Genetics
Classification: Uncertain significance for Hereditary cancer-predisposing syndrome. Last evaluated: 2022-03-01. Review status: criteria provided, single submitter. Criteria: Ambry Variant Classification Scheme 2023. Collection method: clinical testing. Allele origin: germline.
Comment: The p.D1107H variant (also known as c.3319G>C), located in coding exon 20 of the ALK gene, results from a G to C substitution at nucleotide position 3319. The aspartic acid at codon 1107 is replaced by histidine, an amino acid with similar properties. This amino acid position is conserved. In addition, this alteration is predicted to be deleterious by in silico analysis. Since supporting evidence is limited at this time, the clinical significance of this alteration remains unclear.

NM_004304.5(ALK):c.3319G>C (p.Asp1107His)

Gene: ALK (ALK receptor tyrosine kinase; minus strand). Cytogenetic location: 2p23.2.
Variant type: single nucleotide variant.
Coding change: c.3319G>C on transcript NM_004304.5 (MANE Select); coding-DNA position 3319, G replaced by C.
Protein change: p.Asp1107His; replaces aspartic acid 1107 with histidine.
Molecular consequence: missense variant.
Genome position (GRCh38, 1-based): chr2:29,223,382, C>G on the plus strand (G>C on the coding strand, the complement: ALK is on the minus strand). VCF-style: chr2-29223382-C-G. GRCh37 (hg19) VCF-style: chr2-29446248-C-G.
Other names: c.115G>C, p.Asp39His (NM_001353765.2); short protein forms D1107H, D39H.
Identifiers: ClinVar variation 1730167 (VCV001730167.2), dbSNP rs2148170759, ClinGen allele CA346464734.
Genomic context (GRCh38, chr2:29,223,382, plus strand): 5'-GACGGCAGCAGGGCGCTCACCGAATGAGGGTGATGTTTTTCCGCGGCACCTCCTTCAGGT[C>G]ACTGATGGAGGAGGTCTTGCCAGCAAAGCAGTAGTTGGGGTTGTAGTCGGTCATGATGGT-3'
Protein context (NP_004295.2, residues 1097-1117): CFAGKTSSIS[Asp1107His]LKEVPRKNIT